The following is an entry in ClinVar:

NM_001041.4(SI):c.227A>G (p.Asn76Ser)

Gene: SI (sucrase-isomaltase; minus strand). Cytogenetic location: 3q26.1.
Variant type: single nucleotide variant.
Coding change: c.227A>G on transcript NM_001041.4 (MANE Select); coding-DNA position 227, A replaced by G.
Protein change: p.Asn76Ser; replaces asparagine 76 with serine.
Molecular consequence: missense variant.
Genome position (GRCh38, 1-based): chr3:165,074,559, T>C on the plus strand (A>G on the coding strand, the complement: SI is on the minus strand). VCF-style: chr3-165074559-T-C. GRCh37 (hg19) VCF-style: chr3-164792347-T-C.
Other names: short protein forms N76S.
Identifiers: ClinVar variation 2111512 (VCV002111512.4), dbSNP rs2473455395, ClinGen allele CA355036420.

ClinVar aggregate classification (germline): Uncertain significance (1 of 4 stars; one submission).

Submission:

Labcorp Genetics (formerly Invitae), Labcorp
Classification: Uncertain significance. Last evaluated: 2022-03-14. Review status: criteria provided, single submitter. Criteria: Invitae Variant Classification Sherloc (09022015). Collection method: clinical testing. Allele origin: germline.
Comment: This variant has not been reported in the literature in individuals affected with SI-related conditions. This variant is not present in population databases (gnomAD no frequency). This sequence change replaces asparagine, which is neutral and polar, with serine, which is neutral and polar, at codon 76 of the SI protein (p.Asn76Ser). In summary, the available evidence is currently insufficient to determine the role of this variant in disease. Therefore, it has been classified as a Variant of Uncertain Significance. Algorithms developed to predict the effect of missense changes on protein structure and function are either unavailable or do not agree on the potential impact of this missense change (SIFT: "Deleterious"; PolyPhen-2: "Benign"; Align-GVGD: "Class C0").